The following is an entry in ClinVar:

ClinVar aggregate classification (germline): Uncertain significance (1 of 4 stars; one submission).

Submission:

Labcorp Genetics (formerly Invitae), Labcorp
Classification: Uncertain significance. Last evaluated: 2024-06-08. Review status: criteria provided, single submitter. Criteria: Invitae Variant Classification Sherloc (09022015). Collection method: clinical testing. Allele origin: germline.
Comment: This sequence change replaces asparagine, which is neutral and polar, with serine, which is neutral and polar, at codon 174 of the LONP1 protein (p.Asn174Ser). This variant is not present in population databases (gnomAD no frequency). This variant has not been reported in the literature in individuals affected with LONP1-related conditions. Algorithms developed to predict the effect of missense changes on protein structure and function output the following: SIFT: "Not Available"; PolyPhen-2: "Benign"; Align-GVGD: "Not Available". The serine amino acid residue is found in multiple mammalian species, which suggests that this missense change does not adversely affect protein function. Algorithms developed to predict the effect of sequence changes on RNA splicing suggest that this variant may create or strengthen a splice site. In summary, the available evidence is currently insufficient to determine the role of this variant in disease. Therefore, it has been classified as a Variant of Uncertain Significance.

NM_004793.4(LONP1):c.521A>G (p.Asn174Ser)

Gene: LONP1 (lon peptidase 1, mitochondrial; minus strand). Cytogenetic location: 19p13.3.
Variant type: single nucleotide variant.
Coding change: c.521A>G on transcript NM_004793.4 (MANE Select); coding-DNA position 521, A replaced by G.
Protein change: p.Asn174Ser; replaces asparagine 174 with serine.
Molecular consequence: missense variant. On other transcripts: 5 prime UTR variant (1), non-coding transcript variant (1).
Genome position (GRCh38, 1-based): chr19:5,713,251, T>C on the plus strand (A>G on the coding strand, the complement: LONP1 is on the minus strand). VCF-style: chr19-5713251-T-C. GRCh37 (hg19) VCF-style: chr19-5713262-T-C.
Other names: c.329A>G, p.Asn110Ser (NM_001276479.2); c.-68A>G (NM_001276480.1); short protein forms N110S, N174S.
Identifiers: ClinVar variation 3699060 (VCV003699060.2).
Genomic context (GRCh38, chr19:5,713,251, plus strand): 5'-ATCTGGGCAAACGTCCCCGTGTGGTAGATTTCATCCAGGCTCTCGACCACATCCGACTCA[T>C]TGCTGTGGGAGAAGAGCACAGAGGAATGTTGGAACATGGCTTTCATGCTAGGCAGGATGT-3'
Protein context (NP_004784.2, residues 164-184): VGVFLKRDDS[Asn174Ser]ESDVVESLDE